The following is an entry in ClinVar:

NM_001018005.2(TPM1):c.118G>T (p.Glu40Ter)

Gene: TPM1 (tropomyosin 1; plus strand). Cytogenetic location: 15q22.2.
Variant type: single nucleotide variant.
Coding change: c.118G>T on transcript NM_001018005.2 (MANE Select); coding-DNA position 118, G replaced by T.
Protein change: p.Glu40Ter; replaces glutamic acid 40 with a stop codon.
Molecular consequence: nonsense. On other transcripts: intron variant (3).
Genome position (GRCh38, 1-based): chr15:63,044,030, G>T. VCF-style: chr15-63044030-G-T. GRCh37 (hg19) VCF-style: chr15-63336229-G-T.
Other names: p.E40*:GAA>TAA; c.118G>T, p.Glu40Ter (NM_000366.6, NM_001018004.2, NM_001018006.2 and 3 more transcripts); c.244G>T, p.Glu82Ter (NM_001365778.1); c.240+199G>T (NM_001018020.2, NM_001018007.2, NM_001301244.2); short protein forms E40*, E82*.
Identifiers: ClinVar variation 43403 (VCV000043403.25), dbSNP rs104894501, ClinGen allele CA017874.

ClinVar aggregate classification (germline): Uncertain significance. Review status: criteria provided, multiple submitters, no conflicts (2 of 4 stars). 7 submissions from 7 submitters: Uncertain significance (7). Last evaluated 2025-03-31.

Conditions:
Cardiovascular phenotype. Identifiers: MedGen CN230736.
Cardiomyopathy (CMYO). Also called: Cardiomyopathies. Identifiers: Orphanet 167848, MedGen C0878544, MONDO:0004994, HP:0001638. Inheritance: Various modes of inheritance.
Hypertrophic cardiomyopathy 3. Also called: TPM1-Related Familial Hypertrophic Cardiomyopathy. Identifiers: MedGen C1861863, MONDO:0007267, OMIM 115196.
Dilated cardiomyopathy 1Y (CMD1Y). Identifiers: Orphanet 154, Orphanet 54260, MedGen C2678476, MONDO:0012744, OMIM 611878.
Primary dilated cardiomyopathy (DCM). Also called: Dilated Cardiomyopathy. Identifiers: Orphanet 217604, MedGen C0007193, MeSH D002311, MONDO:0005021, HP:0001644. Inheritance: Various modes of inheritance.
Hypertrophic cardiomyopathy. Also called: HYPERTROPHIC MYOCARDIOPATHY. Identifiers: Orphanet 217569, MedGen C0007194, MeSH D002312, MONDO:0005045, HP:0001639.

Allele frequency attached by ClinVar (database versions not stated): gnomAD exomes below 0.00001 and 0.00001; gnomAD 0.00001; TOPMed 0.00001.
gnomAD v4.1: 14 of 1,613,832 alleles (0.00087%); highest among the groups gnomAD compares: Non-Finnish European, 0.0011%; no homozygotes.

Submissions (7):

Labcorp Genetics (formerly Invitae), Labcorp
Classification: Uncertain significance for Hypertrophic cardiomyopathy. Last evaluated: 2025-03-31. Review status: criteria provided, single submitter. Criteria: Invitae Variant Classification Sherloc (09022015). Collection method: clinical testing. Allele origin: germline.
Comment: This sequence change creates a premature translational stop signal (p.Glu40*) in the TPM1 gene. It is expected to result in an absent or disrupted protein product. However, the current clinical and genetic evidence is not sufficient to establish whether loss-of-function variants in TPM1 cause disease. This variant is present in population databases (rs104894501, gnomAD 0.0009%). This premature translational stop signal has been observed in individual(s) with dilated cardiomyopathy (PMID: 24503780, 27532257). ClinVar contains an entry for this variant (Variation ID: 43403). In summary, the available evidence is currently insufficient to determine the role of this variant in disease. Therefore, it has been classified as a Variant of Uncertain Significance.

All of Us Research Program, National Institutes of Health
Classification: Uncertain significance for Hypertrophic cardiomyopathy. Last evaluated: 2024-09-23. Review status: criteria provided, single submitter. Criteria: ACMG Guidelines, 2015. Collection method: clinical testing. Allele origin: germline. Inheritance: Autosomal dominant inheritance. Observed: 12 variant alleles, 12 heterozygotes.
Comment: This variant changes 1 nucleotide in exon 2 of the TPM1 gene, creating a premature translation stop signal. This variant is expected to result in an absent or non-functional protein product. This variant has been reported in individual(s) affected with dilated cardiomyopathy (PMID: 24503780, 27532257). This variant has been identified in 1/250660 chromosomes in the general population by the Genome Aggregation Database (gnomAD). Clinical significance of loss-of-function truncation variants in the TPM1 gene is not clearly established. The available evidence is insufficient to determine the role of this variant in disease conclusively. Therefore, this variant is classified as a Variant of Uncertain Significance.

This study involves interpretation of variants in research participants for the purpose of population health screening. Participant phenotype was not available at the time of variant classification. Additional details can be found in publication PMID: 35346344, PMCID: PMC8962531

GeneDx
Classification: Uncertain significance. Last evaluated: 2024-06-21. Review status: criteria provided, single submitter. Criteria: GeneDx Variant Classification Process June 2021. Collection method: clinical testing. Allele origin: germline. Affected: yes.
Comment: Not observed at significant frequency in large population cohorts (gnomAD); Not observed at significant frequency in large population cohorts (gnomAD); Nonsense variant predicted to result in protein truncation or nonsense mediated decay in a gene or region of a gene for which loss of function is not a well-established mechanism of disease; Nonsense variant predicted to result in protein truncation or nonsense mediated decay in a gene or region of a gene for which loss of function is not a well-established mechanism of disease; This variant is associated with the following publications: (PMID: 24503780, 35029218, 27532257)

Color Diagnostics, LLC DBA Color Health
Classification: Uncertain significance for Cardiomyopathy. Last evaluated: 2024-04-05. Review status: criteria provided, single submitter. Criteria: ACMG Guidelines, 2015. Collection method: clinical testing. Allele origin: germline.
Comment: This variant changes 1 nucleotide in exon 2 of the TPM1 gene, creating a premature translation stop signal. This variant is expected to result in an absent or non-functional protein product. This variant has been reported in one individual affected with dilated cardiomyopathy (PMID: 24503780, 27532257). This variant has been identified in 1/250660 chromosomes in the general population by the Genome Aggregation Database (gnomAD). Clinical relevance of loss-of-function truncation variants in the TPM1 gene is not clearly established. The available evidence is insufficient to determine the role of this variant in disease conclusively. Therefore, this variant is classified as a Variant of Uncertain Significance.

Fulgent Genetics
Classification: Uncertain significance for Hypertrophic cardiomyopathy 3; Dilated cardiomyopathy 1Y. Last evaluated: 2021-07-08. Review status: criteria provided, single submitter. Criteria: ACMG Guidelines, 2015. Collection method: clinical testing. Allele origin: unknown.

Ambry Genetics
Classification: Uncertain significance for Cardiovascular phenotype. Last evaluated: 2021-03-31. Review status: criteria provided, single submitter. Criteria: Ambry Variant Classification Scheme 2023. Collection method: clinical testing. Allele origin: germline.
Comment: The c.118G>T (p.E40*) alteration, located in exon 2 (coding exon 2) of the TPM1 gene, consists of a G to T substitution at nucleotide position 118. This changes the amino acid from a glutamic acid (E) to a stop codon at amino acid position 40. Premature stop codons are typically deleterious in nature (Richards, 2015). Based on insufficient or conflicting evidence, the clinical significance of this alteration remains unclear.

Laboratory for Molecular Medicine, Mass General Brigham Personalized Medicine
Classification: Uncertain significance for Primary dilated cardiomyopathy. Last evaluated: 2019-04-04. Review status: criteria provided, single submitter. Criteria: ACMG Guidelines, 2015. Collection method: clinical testing. Allele origin: germline.
Comment: The p.Glu40X variant in TPM1 has not been reported in the literature nor previously identified by our laboratory. This nonsense variant leads to a premature termination codon at position 40, which is predicted to lead to a truncated or absent protein. However, heterozygous loss of function of the TPM1 gene is not an established disease mechanism in DCM. In addition, mouse models with loss of a single TPM1 allele did not show any morphological or functional differences from wild type mice (Blanchard 1997), though it is not clear if the same impact would be observed in human hearts. In summary, additional studies are needed to fully assess the clinical significance of Glu40X variant.

Literature cited by the submitters: PubMed 24503780 (cited by 3 submitters); PubMed 27532257 (cited by 3 submitters); PubMed 9400381 (cited by Laboratory for Molecular Medicine, Mass General Brigham Personalized Medicine).